The following is an entry in ClinVar:

NM_198576.4(AGRN):c.2246C>G (p.Ala749Gly)

Gene: AGRN (agrin; plus strand). Cytogenetic location: 1p36.33.
Variant type: single nucleotide variant.
Coding change: c.2246C>G on transcript NM_198576.4 (MANE Select); coding-DNA position 2246, C replaced by G.
Protein change: p.Ala749Gly; replaces alanine 749 with glycine.
Molecular consequence: missense variant.
Genome position (GRCh38, 1-based): chr1:1,044,431, C>G. VCF-style: chr1-1044431-C-G. GRCh37 (hg19) VCF-style: chr1-979811-C-G.
Other names: c.2246C>G, p.Ala749Gly (NM_001305275.2); c.1931C>G, p.Ala644Gly (NM_001364727.2); short protein forms A749G, A644G.
Identifiers: ClinVar variation 850048 (VCV000850048.6), dbSNP rs777321497, ClinGen allele CA508531.

ClinVar aggregate classification (germline): Uncertain significance. Review status: criteria provided, multiple submitters, no conflicts (2 of 4 stars). 2 submissions from 2 submitters: Uncertain significance (2). Last evaluated 2023-05-23.

Conditions:
Inborn genetic diseases. Identifiers: MedGen C0950123, MeSH D030342.
Congenital myasthenic syndrome 8. Also called: MYASTHENIC SYNDROME, CONGENITAL, DUE TO AGRIN DEFICIENCY; Myasthenic syndrome, congenital, 8, with pre- and postsynaptic defects. Identifiers: Orphanet 590, MedGen C3808739, MONDO:0014052, OMIM 615120.

Allele frequency attached by ClinVar (database versions not stated): ExAC 0.00002; gnomAD 0.00004; TOPMed 0.00003; gnomAD exomes 0.00002.
gnomAD v4.1: 121 of 1,608,654 alleles (0.0075%); highest among the groups gnomAD compares: Non-Finnish European, 0.0099%; no homozygotes.

Submissions (2):

Ambry Genetics
Classification: Uncertain significance for Inborn genetic diseases. Last evaluated: 2023-05-23. Review status: criteria provided, single submitter. Criteria: Ambry Variant Classification Scheme 2023. Collection method: clinical testing. Allele origin: germline.

Labcorp Genetics (formerly Invitae), Labcorp
Classification: Uncertain significance for Congenital myasthenic syndrome 8. Last evaluated: 2022-07-06. Review status: criteria provided, single submitter. Criteria: Invitae Variant Classification Sherloc (09022015). Collection method: clinical testing. Allele origin: germline.
Comment: This sequence change replaces alanine, which is neutral and non-polar, with glycine, which is neutral and non-polar, at codon 749 of the AGRN protein (p.Ala749Gly). This variant is present in population databases (rs777321497, gnomAD 0.005%). This variant has not been reported in the literature in individuals affected with AGRN-related conditions. ClinVar contains an entry for this variant (Variation ID: 850048). Algorithms developed to predict the effect of missense changes on protein structure and function are either unavailable or do not agree on the potential impact of this missense change (SIFT: "Tolerated"; PolyPhen-2: "Probably Damaging"; Align-GVGD: "Class C0"). In summary, the available evidence is currently insufficient to determine the role of this variant in disease. Therefore, it has been classified as a Variant of Uncertain Significance.